The following is an entry in ClinVar:

NM_014588.6(VSX1):c.715G>C (p.Gly239Arg)

Gene: VSX1 (visual system homeobox 1; minus strand). Cytogenetic location: 20p11.21.
Variant type: single nucleotide variant.
Coding change: c.715G>C on transcript NM_014588.6 (MANE Select); coding-DNA position 715, G replaced by C.
Protein change: p.Gly239Arg; replaces glycine 239 with arginine.
Molecular consequence: missense variant. On other transcripts: non-coding transcript variant (4), intron variant (1).
Genome position (GRCh38, 1-based): chr20:25,077,778, C>G on the plus strand (G>C on the coding strand, the complement: VSX1 is on the minus strand). VCF-style: chr20-25077778-C-G. GRCh37 (hg19) VCF-style: chr20-25058414-C-G.
Other names: c.715G>C, p.Gly239Arg (NM_001256272.2); c.22G>C, p.Gly8Arg (NM_001378633.1); c.627+1051G>C (NM_001256271.2); short protein forms G8R, G239R.
Identifiers: ClinVar variation 2736956 (VCV002736956.3), dbSNP rs749663315, ClinGen allele CA9793525.

ClinVar aggregate classification (germline): Uncertain significance (1 of 4 stars; one submission).

Allele frequency attached by ClinVar (database versions not stated): gnomAD 0.00002; ExAC 0.00006.
gnomAD v4.1: 28 of 1,550,896 alleles (0.0018%); highest among the groups gnomAD compares: South Asian, 0.0083%; no homozygotes.

Submission:

Labcorp Genetics (formerly Invitae), Labcorp
Classification: Uncertain significance. Last evaluated: 2022-11-17. Review status: criteria provided, single submitter. Criteria: Invitae Variant Classification Sherloc (09022015). Collection method: clinical testing. Allele origin: germline.
Comment: In summary, the available evidence is currently insufficient to determine the role of this variant in disease. Therefore, it has been classified as a Variant of Uncertain Significance. Advanced modeling of protein sequence and biophysical properties (such as structural, functional, and spatial information, amino acid conservation, physicochemical variation, residue mobility, and thermodynamic stability) performed at Invitae indicates that this missense variant is expected to disrupt VSX1 protein function. This missense change has been observed in individual(s) with keratoconus (PMID: 21976959). This variant is present in population databases (rs749663315, gnomAD 0.006%). This sequence change replaces glycine, which is neutral and non-polar, with arginine, which is basic and polar, at codon 239 of the VSX1 protein (p.Gly239Arg).

Literature cited by the submitters: PubMed 21976959.